The following is an entry in ClinVar:

NM_003079.5(SMARCE1):c.954C>G (p.Ile318Met)

Gene: SMARCE1 (SWI/SNF related, matrix associated, actin dependent regulator of chromatin, subfamily e, member 1; minus strand). Cytogenetic location: 17q21.2.
Variant type: single nucleotide variant.
Coding change: c.954C>G on transcript NM_003079.5 (MANE Select); coding-DNA position 954, C replaced by G.
Protein change: p.Ile318Met; replaces isoleucine 318 with methionine.
Molecular consequence: missense variant.
Genome position (GRCh38, 1-based): chr17:40,630,787, G>C on the plus strand (C>G on the coding strand, the complement: SMARCE1 is on the minus strand). VCF-style: chr17-40630787-G-C. GRCh37 (hg19) VCF-style: chr17-38787039-G-C.
Other names: short protein forms I318M.
Identifiers: ClinVar variation 1304200 (VCV001304200.2), dbSNP rs376628666, ClinGen allele CA399363464.

ClinVar aggregate classification (germline): Uncertain significance (1 of 4 stars; one submission).

gnomAD v4.1: 1 of 1,614,056 alleles (0.000062%); highest among the groups gnomAD compares: East Asian, 0.0022%; no homozygotes.

Submission:

GeneDx
Classification: Uncertain significance. Last evaluated: 2019-04-12. Review status: criteria provided, single submitter. Criteria: GeneDx Variant Classification Process June 2021. Collection method: clinical testing. Allele origin: germline. Affected: yes.
Comment: Not observed in large population cohorts (Lek et al., 2016); In silico analysis, which includes protein predictors and evolutionary conservation, supports that this variant does not alter protein structure/function; Has not been previously published as pathogenic or benign to our knowledge